The following is an entry in ClinVar:

ClinVar aggregate classification (germline): Uncertain significance (1 of 4 stars; one submission).

Submission:

CeGaT Center for Human Genetics Tuebingen
Classification: Uncertain significance. Last evaluated: 2023-09-01. Review status: criteria provided, single submitter. Criteria: CeGaT Center For Human Genetics Tuebingen Variant Classification Criteria Version 2. Collection method: clinical testing. Allele origin: germline. Affected: yes. Observed: 1 variant allele.
Comment: SOX11: PM2, PP2, PP3

NM_003108.4(SOX11):c.539C>T (p.Ala180Val)

Gene: SOX11 (SRY-box transcription factor 11; plus strand). Cytogenetic location: 2p25.2.
Variant type: single nucleotide variant.
Coding change: c.539C>T on transcript NM_003108.4 (MANE Select); coding-DNA position 539, C replaced by T.
Protein change: p.Ala180Val; replaces alanine 180 with valine.
Molecular consequence: missense variant.
Genome position (GRCh38, 1-based): chr2:5,693,260, C>T. VCF-style: chr2-5693260-C-T. GRCh37 (hg19) VCF-style: chr2-5833392-C-T.
Other names: short protein forms A180V.
Identifiers: ClinVar variation 2650640 (VCV002650640.24), dbSNP rs1035189329, ClinGen allele CA345866926.